The following is an entry in ClinVar:

NM_020436.5(SALL4):c.2765C>T (p.Ala922Val)

Gene: SALL4 (spalt like transcription factor 4; minus strand). Cytogenetic location: 20q13.2.
Variant type: single nucleotide variant.
Coding change: c.2765C>T on transcript NM_020436.5 (MANE Select); coding-DNA position 2765, C replaced by T.
Protein change: p.Ala922Val; replaces alanine 922 with valine.
Molecular consequence: missense variant.
Genome position (GRCh38, 1-based): chr20:51,784,662, G>A on the plus strand (C>T on the coding strand, the complement: SALL4 is on the minus strand). VCF-style: chr20-51784662-G-A. GRCh37 (hg19) VCF-style: chr20-50401201-G-A.
Other names: c.1454C>T, p.Ala485Val (NM_001318031.2); short protein forms A485V, A922V.
Identifiers: ClinVar variation 2747079 (VCV002747079.4), dbSNP rs755288586, ClinGen allele CA9912008.
Genomic context (GRCh38, chr20:51,784,662, plus strand): 5'-AACAGAGCCATGGTGTTCTCGATGGCCAACTTCCTTCCACGGCGGGCTGAGTTATTGTTC[G>A]CCCCGTGTGTCATGTAGTGAACCTATGGGAACAGGACAGAAAGGTTTTTACCAAAATAGA-3'
Protein context (NP_065169.1, residues 912-932): NLKVHYMTHG[Ala922Val]NNNSARRGRK

ClinVar aggregate classification (germline): Uncertain significance. Review status: criteria provided, multiple submitters, no conflicts (2 of 4 stars). 2 submissions from 2 submitters: Uncertain significance (2). Last evaluated 2024-11-19.

Conditions:
Duane-radial ray syndrome (DRRS). Also called: ACRORENOOCULAR SYNDROME; DR SYNDROME; DUANE ANOMALY WITH RADIAL RAY ABNORMALITIES AND DEAFNESS; Okihiro Syndrome; Duane-Radial Ray Syndrome/Okihiro Syndrome; Duane-Radial Ray Syndrome (DRRS) / Okihiro Syndrome. Identifiers: Orphanet 93293, Orphanet 959, MedGen C1623209, MONDO:0011812, OMIM 607323. Disease mechanism: gain of function.
Oculootoradial syndrome (IVIC). Also called: RADIAL RAY DEFECTS, HEARING IMPAIRMENT, EXTERNAL OPHTHALMOPLEGIA, AND THROMBOCYTOPENIA; IVIC syndrome. Identifiers: Orphanet 2307, MedGen C1327918, MONDO:0007836, OMIM 147750.

Allele frequency attached by ClinVar (database versions not stated): gnomAD exomes 0.00001; ExAC 0.00003; gnomAD 0.00003.
gnomAD v4.1: 20 of 1,614,028 alleles (0.0012%); highest among the groups gnomAD compares: African/African-American, 0.0053%; no homozygotes.

Submissions (2):

Labcorp Genetics (formerly Invitae), Labcorp
Classification: Uncertain significance for Duane-radial ray syndrome. Last evaluated: 2024-11-19. Review status: criteria provided, single submitter. Criteria: Invitae Variant Classification Sherloc (09022015). Collection method: clinical testing. Allele origin: germline.
Comment: This sequence change replaces alanine, which is neutral and non-polar, with valine, which is neutral and non-polar, at codon 922 of the SALL4 protein (p.Ala922Val). This variant is present in population databases (rs755288586, gnomAD 0.004%). This variant has not been reported in the literature in individuals affected with SALL4-related conditions. ClinVar contains an entry for this variant (Variation ID: 2747079). An algorithm developed to predict the effect of missense changes on protein structure and function (PolyPhen-2) suggests that this variant is likely to be tolerated. In summary, the available evidence is currently insufficient to determine the role of this variant in disease. Therefore, it has been classified as a Variant of Uncertain Significance.

Fulgent Genetics
Classification: Uncertain significance for Oculootoradial syndrome; Duane-radial ray syndrome. Last evaluated: 2024-06-03. Review status: criteria provided, single submitter. Criteria: ACMG Guidelines, 2015. Collection method: clinical testing. Allele origin: germline.